The following is an entry in ClinVar:

NM_001931.5(DLAT):c.279+13C>A

Gene: DLAT (dihydrolipoamide S-acetyltransferase; plus strand). Cytogenetic location: 11q23.1.
Variant type: single nucleotide variant.
Coding change: c.279+13C>A on transcript NM_001931.5 (MANE Select); 13 bases into the intron after coding-DNA position 279, C replaced by A.
Molecular consequence: intron variant.
Genome position (GRCh38, 1-based): chr11:112,025,764, C>A. VCF-style: chr11-112025764-C-A. GRCh37 (hg19) VCF-style: chr11-111896488-C-A.
Other names: c.-188+13C>A (NM_001372042.1); c.279+13C>A (NM_001372031.1, NM_001372033.1, NM_001372035.1 and 6 more transcripts); c.238+13C>A (NM_001372036.1); c.111+140C>A (NM_001372037.1).
Identifiers: ClinVar variation 383028 (VCV000383028.9), dbSNP rs187974706, ClinGen allele CA6276579.
Genomic context (GRCh38, chr11:112,025,764, plus strand): 5'-TTGGGGTCGCCCGGCCGCCGCTATTACAGTCTTCCCCCGCATCAGAAGGTGAGCCCTAGA[C>A]CCCCCTTCTCGGGACCCCGTTGTCCTTCAGAGCTGACTGGATGCCTGCAAGATCCTCCTT-3'

ClinVar aggregate classification (germline): Likely benign. Review status: criteria provided, multiple submitters, no conflicts (2 of 4 stars). 2 submissions from 2 submitters: Likely benign (2). Last evaluated 2024-04-22.

Conditions:
Pyruvate dehydrogenase E2 deficiency (PDHDD). Also called: LACTIC ACIDEMIA DUE TO DEFECT OF E2 LIPOYL TRANSACETYLASE OF THE PYRUVATE DEHYDROGENASE COMPLEX; Dihydrolipoamide Acetyltransferase (E2) Deficiency. Identifiers: Orphanet 765, Orphanet 79244, MedGen C1855565, MONDO:0009502, OMIM 245348.

Allele frequency attached by ClinVar (database versions not stated): ExAC 0.00014; gnomAD exomes 0.00014; ESP Exome Variant Server 0.00031; TOPMed 0.00036; 1000 Genomes Project 30x 0.00094; 1000 Genomes Project 0.00100.

Submissions (2):

Labcorp Genetics (formerly Invitae), Labcorp
Classification: Likely benign for Pyruvate dehydrogenase E2 deficiency. Last evaluated: 2024-04-22. Review status: criteria provided, single submitter. Criteria: Invitae Variant Classification Sherloc (09022015). Collection method: clinical testing. Allele origin: germline.

GeneDx
Classification: Likely benign. Last evaluated: 2016-02-19. Review status: criteria provided, single submitter. Criteria: GeneDx Variant Classification (06012015). Collection method: clinical testing. Allele origin: germline. Affected: yes.
Comment: This variant is considered likely benign or benign based on one or more of the following criteria: it is a conservative change, it occurs at a poorly conserved position in the protein, it is predicted to be benign by multiple in silico algorithms, and/or has population frequency not consistent with disease.